The following is an entry in ClinVar:

NM_018127.7(ELAC2):c.2183G>A (p.Arg728His)

Gene: ELAC2 (elaC ribonuclease Z 2; minus strand). Cytogenetic location: 17p12.
Variant type: single nucleotide variant.
Coding change: c.2183G>A on transcript NM_018127.7 (MANE Select); coding-DNA position 2183, G replaced by A.
Protein change: p.Arg728His; replaces arginine 728 with histidine.
Molecular consequence: missense variant.
Genome position (GRCh38, 1-based): chr17:12,993,757, C>T on the plus strand (G>A on the coding strand, the complement: ELAC2 is on the minus strand). VCF-style: chr17-12993757-C-T. GRCh37 (hg19) VCF-style: chr17-12897074-C-T.
Other names: c.2063G>A, p.Arg688His (NM_001165962.2); c.2180G>A, p.Arg727His (NM_173717.2); short protein forms R728H, R688H, R727H.
Identifiers: ClinVar variation 2081865 (VCV002081865.3), dbSNP rs201653482, ClinGen allele CA8400890.

ClinVar aggregate classification (germline): Uncertain significance (1 of 4 stars; one submission).

Conditions:
Combined oxidative phosphorylation defect type 17. Also called: Combined oxidative phosphorylation deficiency 17. Identifiers: Orphanet 369913, MedGen C3809526, MONDO:0014190, OMIM 615440.

Allele frequency attached by ClinVar (database versions not stated): gnomAD 0.00001; ExAC 0.00002; 1000 Genomes Project 0.00020; 1000 Genomes Project 30x 0.00031.
gnomAD v4.1: 9 of 1,614,158 alleles (0.00056%); highest among the groups gnomAD compares: Admixed American, 0.005%; no homozygotes.

Submission:

Labcorp Genetics (formerly Invitae), Labcorp
Classification: Uncertain significance for Combined oxidative phosphorylation defect type 17. Last evaluated: 2023-08-16. Review status: criteria provided, single submitter. Criteria: Invitae Variant Classification Sherloc (09022015). Collection method: clinical testing. Allele origin: germline.
Comment: In summary, the available evidence is currently insufficient to determine the role of this variant in disease. Therefore, it has been classified as a Variant of Uncertain Significance. Advanced modeling of protein sequence and biophysical properties (such as structural, functional, and spatial information, amino acid conservation, physicochemical variation, residue mobility, and thermodynamic stability) performed at Invitae indicates that this missense variant is expected to disrupt ELAC2 protein function. ClinVar contains an entry for this variant (Variation ID: 2081865). This variant has not been reported in the literature in individuals affected with ELAC2-related conditions. This variant is present in population databases (rs201653482, gnomAD 0.006%). This sequence change replaces arginine, which is basic and polar, with histidine, which is basic and polar, at codon 728 of the ELAC2 protein (p.Arg728His).